The following is an entry in ClinVar:

ClinVar aggregate classification (germline): Uncertain significance (1 of 4 stars; one submission).

Submission:

GeneDx
Classification: Uncertain significance. Last evaluated: 2024-04-08. Review status: criteria provided, single submitter. Criteria: GeneDx Variant Classification Process June 2021. Collection method: clinical testing. Allele origin: germline. Affected: yes.
Comment: Frameshift variant predicted to result in protein truncation or nonsense mediated decay in a gene or region of a gene for which loss of function is not a well-established mechanism of disease; Not observed at significant frequency in large population cohorts (gnomAD); Has not been previously published as pathogenic or benign to our knowledge

NM_006885.4(ZFHX3):c.8781del (p.Pro2928fs)

Genes: ZFHX3 (zinc finger homeobox 3; minus strand), ZFHX3-AS1 (ZFHX3 antisense RNA 1; plus strand). Cytogenetic location: 16q22.2.
Variant type: Deletion.
Coding change: c.8781del on transcript NM_006885.4 (MANE Select); coding-DNA position 8781, one base deleted (T; older notation c.8781delT).
Protein change: p.Pro2928fs; shifts the reading frame from proline 2928.
Molecular consequence: frameshift variant.
Genome position (GRCh38, 1-based): chr16:72,793,901, A deleted on the plus strand (T on the coding strand, the reverse complement: ZFHX3 is on the minus strand). VCF-style (leftmost placement, unchanged base first): chr16-72793900-GA-G. GRCh37 (hg19) VCF-style: chr16-72827799-GA-G.
Other names: c.6039del, p.Pro2014fs (NM_001164766.2); c.8781del, p.Pro2928fs (NM_001386735.1); short protein forms P2014fs, P2928fs.
Identifiers: ClinVar variation 3371922 (VCV003371922.1).